The following is an entry in ClinVar:

ClinVar aggregate classification (germline): Uncertain significance (1 of 4 stars; one submission).

Allele frequency attached by ClinVar (database versions not stated): TOPMed 0.00001.
gnomAD v4.1: 33 of 1,590,590 alleles (0.0021%); highest among the groups gnomAD compares: Non-Finnish European, 0.0028%; no homozygotes.

Submission:

Ambry Genetics
Classification: Uncertain significance. Last evaluated: 2023-07-27. Review status: criteria provided, single submitter. Criteria: Ambry Variant Classification Scheme 2023. Collection method: clinical testing. Allele origin: germline.
Comment: The p.D70N variant (also known as c.208G>A), located in coding exon 3 of the STAP1 gene, results from a G to A substitution at nucleotide position 208. The aspartic acid at codon 70 is replaced by asparagine, an amino acid with highly similar properties. This amino acid position is conserved. In addition, this alteration is predicted to be tolerated by in silico analysis. Since supporting evidence is limited at this time, the clinical significance of this alteration remains unclear.

NM_012108.4(STAP1):c.208G>A (p.Asp70Asn)

Genes: STAP1 (signal transducing adaptor family member 1; plus strand), LOC123477751 (Sharpr-MPRA regulatory region 12077; plus strand). Cytogenetic location: 4q13.2.
Variant type: single nucleotide variant.
Coding change: c.208G>A on transcript NM_012108.4 (MANE Select); coding-DNA position 208, G replaced by A.
Protein change: p.Asp70Asn; replaces aspartic acid 70 with asparagine.
Molecular consequence: missense variant.
Genome position (GRCh38, 1-based): chr4:67,575,400, G>A. VCF-style: chr4-67575400-G-A. GRCh37 (hg19) VCF-style: chr4-68441118-G-A.
Other names: c.208G>A, p.Asp70Asn (NM_001317769.2); short protein forms D70N.
Identifiers: ClinVar variation 1785715 (VCV001785715.3), dbSNP rs1406065043, ClinGen allele CA357047770.